The following is an entry in ClinVar:

NM_002471.4(MYH6):c.642+1G>C

Genes: MYH6 (myosin heavy chain 6; minus strand), LOC114827851 (VISTA enhancer hs2155; plus strand). Cytogenetic location: 14q11.2.
Variant type: single nucleotide variant.
Coding change: c.642+1G>C on transcript NM_002471.4 (MANE Select); the canonical splice donor site of the intron after coding-DNA position 642, G replaced by C.
Molecular consequence: splice donor variant.
Genome position (GRCh38, 1-based): chr14:23,404,710, C>G on the plus strand (G>C on the coding strand, the complement: MYH6 is on the minus strand). VCF-style: chr14-23404710-C-G. GRCh37 (hg19) VCF-style: chr14-23873919-C-G.
Identifiers: ClinVar variation 1329252 (VCV001329252.3), dbSNP rs199989693, ClinGen allele CA389029307.

ClinVar aggregate classification (germline): Uncertain significance. Review status: criteria provided, multiple submitters, no conflicts (2 of 4 stars). 2 submissions from 2 submitters: Uncertain significance (2). Last evaluated 2025-04-14.

Conditions:
Cardiomyopathy (CMYO). Also called: Cardiomyopathies. Identifiers: Orphanet 167848, MedGen C0878544, MONDO:0004994, HP:0001638. Inheritance: Various modes of inheritance.

Allele frequency attached by ClinVar (database versions not stated): gnomAD 0.00001.

Submissions (2):

GeneDx
Classification: Uncertain significance. Last evaluated: 2025-04-14. Review status: criteria provided, single submitter. Criteria: GeneDx Variant Classification Process June 2021. Collection method: clinical testing. Allele origin: germline. Affected: yes.
Comment: Not observed at significant frequency in large population cohorts (gnomAD); Has not been previously published as pathogenic or benign to our knowledge; Canonical splice site variant in a gene for which loss-of-function is not a known mechanism of disease

CHEO Genetics Diagnostic Laboratory, Children's Hospital of Eastern Ontario
Classification: Uncertain significance for Cardiomyopathy. Last evaluated: 2021-01-19. Review status: criteria provided, single submitter. Criteria: ACMG Guidelines, 2015. Collection method: clinical testing. Allele origin: germline.